The following is an entry in ClinVar:

ClinVar aggregate classification (germline): Uncertain significance (1 of 4 stars; one submission).

Conditions:
Brugada syndrome. Also called: Sudden unexpected nocturnal death syndrome; Sudden Unexplained Death Syndrome; Sudden Unexplained Nocturnal Death Syndrome (SUNDS); Sudden unexplained nocturnal death syndrome. Identifiers: Orphanet 130, MedGen C1142166, MONDO:0015263.

Allele frequency attached by ClinVar (database versions not stated): gnomAD exomes below 0.00001; TOPMed below 0.00001.
gnomAD v4.1: 10 of 1,591,246 alleles (0.00063%); highest among the groups gnomAD compares: Non-Finnish European, 0.00052%; no homozygotes.

Submission:

Labcorp Genetics (formerly Invitae), Labcorp
Classification: Uncertain significance for Brugada syndrome. Last evaluated: 2025-07-22. Review status: criteria provided, single submitter. Criteria: Invitae Variant Classification Sherloc (09022015). Collection method: clinical testing. Allele origin: germline.
Comment: This sequence change replaces alanine, which is neutral and non-polar, with valine, which is neutral and non-polar, at codon 310 of the SLMAP protein (p.Ala310Val). This variant is not present in population databases (gnomAD no frequency). This variant has not been reported in the literature in individuals affected with SLMAP-related conditions. ClinVar contains an entry for this variant (Variation ID: 3008761). An algorithm developed to predict the effect of missense changes on protein structure and function (PolyPhen-2) suggests that this variant is likely to be disruptive. In summary, the available evidence is currently insufficient to determine the role of this variant in disease. Therefore, it has been classified as a Variant of Uncertain Significance.

NM_001377540.1(SLMAP):c.929C>T (p.Ala310Val)

Gene: SLMAP (sarcolemma associated protein; plus strand). Cytogenetic location: 3p14.3.
Variant type: single nucleotide variant.
Coding change: c.929C>T on transcript NM_001377540.1 (MANE Select); coding-DNA position 929, C replaced by T.
Protein change: p.Ala310Val; replaces alanine 310 with valine.
Molecular consequence: missense variant. On other transcripts: non-coding transcript variant (1).
Genome position (GRCh38, 1-based): chr3:57,862,049, C>T. VCF-style: chr3-57862049-C-T. GRCh37 (hg19) VCF-style: chr3-57847776-C-T.
Other names: c.929C>T, p.Ala310Val (NM_001304420.3, NM_001304421.2, NM_001377538.1 and 17 more transcripts); short protein forms A310V.
Identifiers: ClinVar variation 3008761 (VCV003008761.3), dbSNP rs1177179778, ClinGen allele CA353408015.